The following is an entry in ClinVar:

NM_017721.5(CC2D1A):c.1469-1G>A

Gene: CC2D1A (coiled-coil and C2 domain containing 1A; plus strand). Cytogenetic location: 19p13.12.
Variant type: single nucleotide variant.
Coding change: c.1469-1G>A on transcript NM_017721.5 (MANE Select); the canonical splice acceptor site of the intron before coding-DNA position 1469, G replaced by A.
Molecular consequence: splice acceptor variant.
Genome position (GRCh38, 1-based): chr19:13,920,749, G>A. VCF-style: chr19-13920749-G-A. GRCh37 (hg19) VCF-style: chr19-14031562-G-A.
Other names: c.1469-1G>A (NM_001411138.1).
Identifiers: ClinVar variation 2753704 (VCV002753704.3), dbSNP rs2513105453, ClinGen allele CA404387604.

ClinVar aggregate classification (germline): Likely pathogenic (1 of 4 stars; one submission).

Submission:

Labcorp Genetics (formerly Invitae), Labcorp
Classification: Likely pathogenic. Last evaluated: 2023-08-18. Review status: criteria provided, single submitter. Criteria: Invitae Variant Classification Sherloc (09022015). Collection method: clinical testing. Allele origin: germline.
Comment: In summary, the currently available evidence indicates that the variant is pathogenic, but additional data are needed to prove that conclusively. Therefore, this variant has been classified as Likely Pathogenic. This variant has not been reported in the literature in individuals affected with CC2D1A-related conditions. This variant is not present in population databases (gnomAD no frequency). This sequence change affects an acceptor splice site in intron 13 of the CC2D1A gene. It is expected to disrupt RNA splicing. Variants that disrupt the donor or acceptor splice site typically lead to a loss of protein function (PMID: 16199547), and loss-of-function variants in CC2D1A are known to be pathogenic (PMID: 16033914).

Literature cited by the submitters: PubMed 16199547; PubMed 16033914.